The following is an entry in ClinVar:

ClinVar aggregate classification (germline): Conflicting classifications of pathogenicity. Review status: criteria provided, conflicting classifications (1 of 4 stars). 12 submissions from 8 submitters: Uncertain significance (6); Benign (1); Likely benign (2). 3 of the submissions do not count toward it. Last evaluated 2026-02-01.

Conditions:
Meckel-Gruber syndrome. Also called: Dysencephalia splachnocystica; DYSENCEPHALIA SPLANCHNOCYSTICA; GRUBER SYNDROME. Identifiers: Orphanet 564, MedGen C0265215, MONDO:0018921.
Joubert syndrome. Also called: JOUBERT-BOLTSHAUSER SYNDROME; Familial aplasia of the vermis. Identifiers: Orphanet 475, MedGen C5979921, MONDO:0018772.
Nephronophthisis. Also called: Juvenile Nephronophthisis. Identifiers: Orphanet 655, MedGen C0687120, MONDO:0019005, HP:0000090.
Meckel syndrome, type 4 (MKS4). Also called: MECKEL-GRUBER SYNDROME, TYPE 4. Identifiers: Orphanet 564, MedGen C1970161, MONDO:0012626, OMIM 611134.
CEP290-related disorder. Also called: CEP290-related condition; CEP290-related disorders. Identifiers: MedGen CN239314.
Joubert syndrome 5 (JBTS5). Identifiers: Orphanet 2318, MedGen C1857780, MONDO:0012432, OMIM 610188.
Senior-Loken syndrome 6 (SLSN6). Identifiers: Orphanet 3156, MedGen C1857779, MONDO:0012433, OMIM 610189.
Leber congenital amaurosis 10 (LCA10). Identifiers: Orphanet 65, MedGen C1857821, MONDO:0012723, OMIM 611755.
Bardet-Biedl syndrome 14 (BBS14). Identifiers: Orphanet 110, MedGen C2673874, MONDO:0014442, OMIM 615991.

Allele frequency attached by ClinVar (database versions not stated): 1000 Genomes Project 0.00060; TOPMed 0.00190; gnomAD 0.00198 and 0.00200.
gnomAD v4.1: 2,338 of 982,320 alleles (0.24%); highest among the groups gnomAD compares: Middle Eastern, 0.3%; 8 homozygotes.

Submissions (13):

Labcorp Genetics (formerly Invitae), Labcorp
Classification: Benign for Joubert syndrome; Meckel-Gruber syndrome; Nephronophthisis. Last evaluated: 2026-02-01. Review status: criteria provided, single submitter. Criteria: Invitae Variant Classification Sherloc (09022015). Collection method: clinical testing. Allele origin: germline.

Blueprint Genetics
Classification: Likely benign. Last evaluated: 2024-11-22. Review status: criteria provided, single submitter. Criteria: ACMG Guidelines, 2015. Collection method: clinical testing. Allele origin: germline.

GeneDx
Classification: Likely benign. Last evaluated: 2020-11-20. Review status: criteria provided, single submitter. Criteria: GeneDx Variant Classification Process June 2021. Collection method: clinical testing. Allele origin: germline. Affected: yes.

Illumina Laboratory Services, Illumina
Classification: Uncertain significance for Senior-Loken syndrome 6. Last evaluated: 2017-04-27. Review status: criteria provided, single submitter. Criteria: ICSL Variant Classification Criteria 13 December 2019. Collection method: clinical testing. Allele origin: germline.

Illumina Laboratory Services, Illumina
Classification: Uncertain significance for Joubert syndrome 5. Last evaluated: 2017-04-27. Review status: criteria provided, single submitter. Criteria: ICSL Variant Classification Criteria 13 December 2019. Collection method: clinical testing. Allele origin: germline.

Illumina Laboratory Services, Illumina
Classification: Uncertain significance for Leber congenital amaurosis 10. Last evaluated: 2017-04-27. Review status: criteria provided, single submitter. Criteria: ICSL Variant Classification Criteria 13 December 2019. Collection method: clinical testing. Allele origin: germline.

Illumina Laboratory Services, Illumina
Classification: Uncertain significance for Meckel syndrome, type 4. Last evaluated: 2017-04-27. Review status: criteria provided, single submitter. Criteria: ICSL Variant Classification Criteria 13 December 2019. Collection method: clinical testing. Allele origin: germline.

Illumina Laboratory Services, Illumina
Classification: Uncertain significance for Bardet-Biedl syndrome 14. Last evaluated: 2017-04-27. Review status: criteria provided, single submitter. Criteria: ICSL Variant Classification Criteria 13 December 2019. Collection method: clinical testing. Allele origin: germline.

Center for Pediatric Genomic Medicine, Children's Mercy Hospital and Clinics
Classification: Uncertain significance. Last evaluated: 2015-07-14. Review status: criteria provided, single submitter. Criteria: ACMG Guidelines, 2015. Collection method: clinical testing. Allele origin: germline.
ClinVar note: Converted during submission from Uncertain Significance to Uncertain significance.

PreventionGenetics, part of Exact Sciences
Classification: Benign for CEP290-related condition. Last evaluated: 2021-04-06. Review status: no assertion criteria provided. Collection method: clinical testing. Allele origin: germline. Not counted in ClinVar's aggregate classification.
Comment: This variant is classified as benign based on ACMG/AMP sequence variant interpretation guidelines (Richards et al. 2015 PMID: 25741868, with internal and published modifications).

Clinical Genetics, Academic Medical Center
Classification: Benign. Review status: no assertion criteria provided. Collection method: clinical testing. Allele origin: germline. Affected: yes. Study: VKGL Data-share Consensus. Not counted in ClinVar's aggregate classification.

Dr. Peter K. Rogan Lab, Western University
No classification provided (evidence only). Condition: Thymoma. Review status: no classification provided. Collection method: in vitro. Allele origin: not applicable. Functional consequence: retained intron. Not counted in ClinVar's aggregate classification.

Genome Diagnostics Laboratory, University Medical Center Utrecht
Classification: Benign. Review status: no assertion criteria provided. Collection method: clinical testing. Allele origin: germline. Affected: yes. Study: VKGL Data-share Consensus. Not counted in ClinVar's aggregate classification.

NM_025114.4(CEP290):c.251-11T>A

Gene: CEP290 (centrosomal protein 290; minus strand). Cytogenetic location: 12q21.32.
Variant type: single nucleotide variant.
Coding change: c.251-11T>A on transcript NM_025114.4 (MANE Select); 11 bases into the intron before coding-DNA position 251, T replaced by A.
Molecular consequence: intron variant.
Genome position (GRCh38, 1-based): chr12:88,139,202, A>T on the plus strand (T>A on the coding strand, the complement: CEP290 is on the minus strand). VCF-style: chr12-88139202-A-T. GRCh37 (hg19) VCF-style: chr12-88532979-A-T.
Identifiers: ClinVar variation 235736 (VCV000235736.24), dbSNP rs200666995, ClinGen allele CA6712862.
Genomic context (GRCh38, chr12:88,139,202, plus strand): 5'-TACCTCCAGTTCATTTTCCAGTTTCATTACTTTAGTTTTTAATTGATTTTCTATTTTTTT[A>T]AAAAAAAAGAAAAACGTTTTAATTGATTAGTTACCACAAAACAAACTTTTAAATAAATTT-3'